The following is an entry in ClinVar:

NM_004933.3(CDH15):c.1616-6C>T

Gene: CDH15 (cadherin 15; plus strand). Cytogenetic location: 16q24.3.
Variant type: single nucleotide variant.
Coding change: c.1616-6C>T on transcript NM_004933.3 (MANE Select); 6 bases into the intron before coding-DNA position 1616, C replaced by T.
Molecular consequence: intron variant.
Genome position (GRCh38, 1-based): chr16:89,192,199, C>T. VCF-style: chr16-89192199-C-T. GRCh37 (hg19) VCF-style: chr16-89258607-C-T.
Identifiers: ClinVar variation 3341952 (VCV003341952.16).

ClinVar aggregate classification (germline): Likely benign (1 of 4 stars; one submission).

gnomAD v4.1: 91 of 1,528,870 alleles (0.006%); highest among the groups gnomAD compares: African/African-American, 0.11%; 1 homozygote.

Submission:

CeGaT Center for Human Genetics Tuebingen
Classification: Likely benign. Last evaluated: 2024-08-01. Review status: criteria provided, single submitter. Criteria: CeGaT Center For Human Genetics Tuebingen Variant Classification Criteria Version 2. Collection method: clinical testing. Allele origin: germline. Affected: yes. Observed: 1 variant allele.
Comment: CDH15: BP4, BS1